The following is an entry in ClinVar:

ClinVar aggregate classification (germline): Uncertain significance. Review status: criteria provided, multiple submitters, no conflicts (2 of 4 stars). 2 submissions from 2 submitters: Uncertain significance (2). Last evaluated 2024-10-19.

Conditions:
RELN-related disorder. Also called: RELN-related condition.
Norman-Roberts syndrome (LIS2). Also called: Lissencephaly 2 (Norman-Roberts type). Identifiers: Orphanet 89844, MedGen C0796089, MONDO:0009760, OMIM 257320.
Familial temporal lobe epilepsy 7. Identifiers: Orphanet 101046, MedGen C4225327, MONDO:0014639, OMIM 616436.

Allele frequency attached by ClinVar (database versions not stated): gnomAD 0.00001.

Submissions (2):

PreventionGenetics, part of Exact Sciences
Classification: Uncertain significance for RELN-related condition. Last evaluated: 2024-10-19. Review status: criteria provided, single submitter. Criteria: ACMG Guidelines, 2015. Collection method: clinical testing. Allele origin: germline.
Comment: The RELN c.5579T>C variant is predicted to result in the amino acid substitution p.Met1860Thr. To our knowledge, this variant has not been reported in the literature or in a large population database (gnomAD), indicating this variant is rare. At this time, the clinical significance of this variant is uncertain due to the absence of conclusive functional and genetic evidence.

Labcorp Genetics (formerly Invitae), Labcorp
Classification: Uncertain significance for Familial temporal lobe epilepsy 7; Norman-Roberts syndrome. Last evaluated: 2023-11-02. Review status: criteria provided, single submitter. Criteria: Invitae Variant Classification Sherloc (09022015). Collection method: clinical testing. Allele origin: germline.
Comment: This sequence change replaces methionine, which is neutral and non-polar, with threonine, which is neutral and polar, at codon 1860 of the RELN protein (p.Met1860Thr). This variant is not present in population databases (gnomAD no frequency). This variant has not been reported in the literature in individuals affected with RELN-related conditions. Advanced modeling of protein sequence and biophysical properties (such as structural, functional, and spatial information, amino acid conservation, physicochemical variation, residue mobility, and thermodynamic stability) performed at Invitae indicates that this missense variant is not expected to disrupt RELN protein function with a negative predictive value of 80%. In summary, the available evidence is currently insufficient to determine the role of this variant in disease. Therefore, it has been classified as a Variant of Uncertain Significance.

NM_005045.4(RELN):c.5579T>C (p.Met1860Thr)

Gene: RELN (reelin; minus strand). Cytogenetic location: 7q22.1.
Variant type: single nucleotide variant.
Coding change: c.5579T>C on transcript NM_005045.4 (MANE Select); coding-DNA position 5579, T replaced by C.
Protein change: p.Met1860Thr; replaces methionine 1860 with threonine.
Molecular consequence: missense variant.
Genome position (GRCh38, 1-based): chr7:103,558,000, A>G on the plus strand (T>C on the coding strand, the complement: RELN is on the minus strand). VCF-style: chr7-103558000-A-G. GRCh37 (hg19) VCF-style: chr7-103198447-A-G.
Other names: c.5579T>C (NM_005045.3); c.5579T>C, p.Met1860Thr (NM_173054.3); short protein forms M1860T.
Identifiers: ClinVar variation 2953484 (VCV002953484.4), dbSNP rs1830562930, ClinGen allele CA368742556.